The following is an entry in ClinVar:

ClinVar aggregate classification (germline): Likely benign. Review status: criteria provided, single submitter (1 of 4 stars). 2 submissions from 2 submitters: Likely benign (1). 1 of the submissions does not count toward it. Last evaluated 2024-08-20.

Conditions:
FLCN-related disorder. Also called: FLCN-related condition.

Allele frequency attached by ClinVar (database versions not stated): TOPMed below 0.00001; gnomAD 0.00001.
gnomAD v4.1: 6 of 1,611,956 alleles (0.00037%); highest among the groups gnomAD compares: Middle Eastern, 0.016%; no homozygotes.

Submissions (2):

Blueprint Genetics
Classification: Likely benign. Last evaluated: 2024-08-20. Review status: criteria provided, single submitter. Criteria: ACMG Guidelines, 2015. Collection method: clinical testing. Allele origin: germline.

PreventionGenetics, part of Exact Sciences
Classification: Likely benign for FLCN-related condition. Last evaluated: 2020-07-31. Review status: no assertion criteria provided. Collection method: clinical testing. Allele origin: germline. Not counted in ClinVar's aggregate classification.
Comment: This variant is classified as likely benign based on ACMG/AMP sequence variant interpretation guidelines (Richards et al. 2015 PMID: 25741868, with internal and published modifications).

NM_144997.7(FLCN):c.871+152G>A

Gene: FLCN (folliculin; minus strand). Cytogenetic location: 17p11.2.
Variant type: single nucleotide variant.
Coding change: c.871+152G>A on transcript NM_144997.7 (MANE Select); 152 bases into the intron after coding-DNA position 871, G replaced by A.
Molecular consequence: intron variant. On other transcripts: synonymous variant (1).
Genome position (GRCh38, 1-based): chr17:17,221,385, C>T on the plus strand (G>A on the coding strand, the complement: FLCN is on the minus strand). VCF-style: chr17-17221385-C-T. GRCh37 (hg19) VCF-style: chr17-17124699-C-T.
Other names: c.1023G>A, p.Ser341= (NM_144606.7); c.871+152G>A (NM_001353231.2, NM_001353230.2); c.925+152G>A (NM_001353229.2).
Identifiers: ClinVar variation 3036494 (VCV003036494.3), dbSNP rs761710724, ClinGen allele CA498163649.